The following is an entry in ClinVar:

NM_130466.4(UBE3B):c.1507G>A (p.Gly503Arg)

Gene: UBE3B (ubiquitin protein ligase E3B; plus strand). Cytogenetic location: 12q24.11.
Variant type: single nucleotide variant.
Coding change: c.1507G>A on transcript NM_130466.4 (MANE Select); coding-DNA position 1507, G replaced by A.
Protein change: p.Gly503Arg; replaces glycine 503 with arginine.
Molecular consequence: missense variant.
Genome position (GRCh38, 1-based): chr12:109,507,620, G>A. VCF-style: chr12-109507620-G-A. GRCh37 (hg19) VCF-style: chr12-109945425-G-A.
Other names: c.1507G>A, p.Gly503Arg (NM_183415.3); short protein forms G503R.
Identifiers: ClinVar variation 1806024 (VCV001806024.1), dbSNP rs769334836, ClinGen allele CA6777915.

ClinVar aggregate classification (germline): Uncertain significance (1 of 4 stars; one submission).

Conditions:
Oculocerebrofacial syndrome, Kaufman type. Also called: Blepharophimosis-ptosis-intellectual disability syndrome. Identifiers: Orphanet 2707, MedGen C1855663, MONDO:0009485, OMIM 244450.

Allele frequency attached by ClinVar (database versions not stated): ExAC 0.00001; gnomAD exomes 0.00001; TOPMed 0.00001.
gnomAD v4.1: 8 of 1,614,106 alleles (0.0005%); highest among the groups gnomAD compares: Admixed American, 0.0017%; no homozygotes.

Submission:

Victorian Clinical Genetics Services, Murdoch Childrens Research Institute
Classification: Uncertain significance for Oculocerebrofacial syndrome, Kaufman type. Last evaluated: 2020-05-26. Review status: criteria provided, single submitter. Criteria: ACMG Guidelines, 2015. Collection method: clinical testing. Allele origin: germline. Inheritance: Autosomal recessive inheritance.
Comment: Based on the classification scheme VCGS_Germline_v0.6.1, this variant is classified as a 3A-VUS. Following criteria are met: 0102 - Loss of function is a known mechanism of disease for this gene. (N) 0106 - This gene is known to be associated with autosomal recessive disease. (N) 0200 - Variant is predicted to result in a missense amino acid change from a glycine to an arginine (exon 15). (N) 0301 - Variant is absent from gnomAD. (P) 0501 - Missense variant consistently predicted to be damaging by in silico tools or highly conserved with a major amino acid change. (P) 0604 - Variant is not located in an established domain, motif or hotspot. (N) 0705 - No comparable variants in relevant codon/region have previous evidence for pathogenicity. (N) 0807 - Variant has not previously been reported in a clinical context. (N) 0905 - No published segregation evidence has been identified for this variant. (N) 1007 - No published functional evidence has been identified for this variant. (N) Legend: (P) - Pathogenic, (N) - Neutral, (B) - Benign